The following is an entry in ClinVar:

NM_002474.3(MYH11):c.2726T>C (p.Met909Thr)

Gene: MYH11 (myosin heavy chain 11; minus strand). Cytogenetic location: 16p13.11.
Variant type: single nucleotide variant.
Coding change: c.2726T>C on transcript NM_002474.3 (MANE Select); coding-DNA position 2726, T replaced by C.
Protein change: p.Met909Thr; replaces methionine 909 with threonine.
Molecular consequence: missense variant.
Genome position (GRCh38, 1-based): chr16:15,741,596, A>G on the plus strand (T>C on the coding strand, the complement: MYH11 is on the minus strand). VCF-style: chr16-15741596-A-G. GRCh37 (hg19) VCF-style: chr16-15835453-A-G.
Other names: c.2747T>C, p.Met916Thr (NM_001040113.2, NM_001040114.2); c.2726T>C, p.Met909Thr (NM_022844.3); short protein forms M909T, M916T.
Identifiers: ClinVar variation 3073796 (VCV003073796.1), dbSNP rs2506205869, ClinGen allele CA394865456.

ClinVar aggregate classification (germline): Uncertain significance (1 of 4 stars; one submission).

Conditions:
Familial thoracic aortic aneurysm and aortic dissection (TAAD). Also called: Thoracic aortic aneurysms and dissections. Identifiers: Orphanet 91387, MedGen C4707243, MONDO:0019625.

Allele frequency attached by ClinVar (database versions not stated): gnomAD exomes below 0.00001.
gnomAD v4.1: 1 of 1,612,854 alleles (0.000062%); highest among the groups gnomAD compares: Non-Finnish European, 0.000085%; no homozygotes.

Submission:

All of Us Research Program, National Institutes of Health
Classification: Uncertain significance for Familial thoracic aortic aneurysm and aortic dissection. Last evaluated: 2023-10-06. Review status: criteria provided, single submitter. Criteria: ACMG Guidelines, 2015. Collection method: clinical testing. Allele origin: germline. Inheritance: Autosomal dominant inheritance. Observed: 1 variant allele, 1 heterozygote.
Comment: This missense variant replaces methionine with threonine at codon 916 of the MYH11 protein. Computational prediction suggests that this variant may not impact protein structure and function (internally defined REVEL score threshold <= 0.5, PMID: 27666373). To our knowledge, functional studies have not been reported for this variant. This variant has not been reported in individuals affected with MYH11-related disorders in the literature. This variant has not been identified in the general population by the Genome Aggregation Database (gnomAD). The available evidence is insufficient to determine the role of this variant in disease conclusively. Therefore, this variant is classified as a Variant of Uncertain Significance.

This study involves interpretation of variants in research participants for the purpose of population health screening. Participant phenotype was not available at the time of variant classification. Additional details can be found in publication PMID: 35346344, PMCID: PMC8962531